The following is an entry in ClinVar:

NC_000009.11:g.(?_325651)_(464219_?)dup

Gene: DOCK8 (dedicator of cytokinesis 8; plus strand). Cytogenetic location: 9p24.3.
Variant type: Duplication.
Identifiers: ClinVar variation 1377206 (VCV001377206.8).

ClinVar aggregate classification (germline): Uncertain significance (1 of 4 stars; one submission).

Conditions:
Combined immunodeficiency due to DOCK8 deficiency (HIES2). Also called: DOCK8 Deficiency; HYPER-IgE RECURRENT INFECTION SYNDROME 2, AUTOSOMAL RECESSIVE; HYPER-IgE SYNDROME 2, AUTOSOMAL RECESSIVE, WITH RECURRENT INFECTIONS; HIES autosomal recessive; Hyper-IgE recurrent infection syndrome, autosomal recessive. Identifiers: Orphanet 217390, MedGen C4722305, MONDO:0009478, OMIM 243700.

Submission:

Labcorp Genetics (formerly Invitae), Labcorp
Classification: Uncertain significance for Combined immunodeficiency due to DOCK8 deficiency. Last evaluated: 2022-08-19. Review status: criteria provided, single submitter. Criteria: Invitae Variant Classification Sherloc (09022015). Collection method: clinical testing. Allele origin: germline.
Comment: This variant results in a copy number gain of the genomic region encompassing exon(s) 8-48 of the DOCK8 gene. This region includes the termination codon of the gene. This copy number gain extends beyond the assayed region for this gene and therefore may encompass additional genes. As the precise location of this event is unknown, it may be in tandem or it may be located elsewhere in the genome. This variant has not been reported in the literature in individuals affected with DOCK8-related conditions. In summary, the available evidence is currently insufficient to determine the role of this variant in disease. Therefore, it has been classified as a Variant of Uncertain Significance.